The following is an entry in ClinVar:

ClinVar aggregate classification (germline): Uncertain significance (1 of 4 stars; one submission).

Conditions:
Developmental and epileptic encephalopathy, 36 (DEE36). Also called: Epileptic encephalopathy, early infantile, 36; ALG13-CDG; Congenital disorder of glycosylation, type Is. Identifiers: Orphanet 324422, MedGen C4317295, MONDO:0010472, OMIM 300884.

Allele frequency attached by ClinVar (database versions not stated): gnomAD exomes below 0.00001; ExAC 0.00001.
gnomAD v4.1: 3 of 1,206,047 alleles (0.00025%); highest among the groups gnomAD compares: Non-Finnish European, 0.00034%; no homozygotes.

Submission:

Labcorp Genetics (formerly Invitae), Labcorp
Classification: Uncertain significance for Developmental and epileptic encephalopathy, 36. Last evaluated: 2023-12-30. Review status: criteria provided, single submitter. Criteria: Invitae Variant Classification Sherloc (09022015). Collection method: clinical testing. Allele origin: germline.
Comment: This sequence change replaces serine, which is neutral and polar, with asparagine, which is neutral and polar, at codon 357 of the ALG13 protein (p.Ser357Asn). The frequency data for this variant in the population databases is considered unreliable, as metrics indicate poor data quality at this position in the gnomAD database. This variant has not been reported in the literature in individuals affected with ALG13-related conditions. Advanced modeling of protein sequence and biophysical properties (such as structural, functional, and spatial information, amino acid conservation, physicochemical variation, residue mobility, and thermodynamic stability) performed at Invitae indicates that this missense variant is not expected to disrupt ALG13 protein function with a negative predictive value of 80%. In summary, the available evidence is currently insufficient to determine the role of this variant in disease. Therefore, it has been classified as a Variant of Uncertain Significance.

NM_001099922.3(ALG13):c.1070G>A (p.Ser357Asn)

Gene: ALG13 (ALG13 UDP-N-acetylglucosaminyltransferase subunit; plus strand). Cytogenetic location: Xq23.
Variant type: single nucleotide variant.
Coding change: c.1070G>A on transcript NM_001099922.3 (MANE Select); coding-DNA position 1070, G replaced by A.
Protein change: p.Ser357Asn; replaces serine 357 with asparagine.
Molecular consequence: missense variant. On other transcripts: non-coding transcript variant (1).
Genome position (GRCh38, 1-based): chrX:111,717,910, G>A. VCF-style: chrX-111717910-G-A. GRCh37 (hg19) VCF-style: chrX-110961138-G-A.
Other names: c.758G>A, p.Ser253Asn (NM_001257230.2, NM_001257234.2, NM_001257237.2 and 1 more transcripts); c.836G>A, p.Ser279Asn (NM_001257231.2); c.1070G>A, p.Ser357Asn (NM_001324292.2); short protein forms S253N, S279N, S357N.
Identifiers: ClinVar variation 2706584 (VCV002706584.3), dbSNP rs759717434, ClinGen allele CA10493657.
Genomic context (GRCh38, chrX:111,717,910, plus strand): 5'-TACTCTGCTACTCAAGTAGTGGTCACTATGATTCTGTGTACTCAAAACAATTTCAGTCAA[G>A]TGCAGCTGTTTGTCAGGGTATGTGAAGGCTTTATAAATTGTGGGTGTGATTTCAGATGAC-3'
Protein context (NP_001093392.1, residues 347-367): DSVYSKQFQS[Ser357Asn]AAVCQAVLYE